The following is an entry in ClinVar:

NM_001035.3(RYR2):c.4102C>T (p.Pro1368Ser)

Genes: RYR2 (ryanodine receptor 2; plus strand), LOC126806067 (BRD4-independent group 4 enhancer GRCh37_chr1:237753258-237754457; plus strand). Cytogenetic location: 1q43.
Variant type: single nucleotide variant.
Coding change: c.4102C>T on transcript NM_001035.3 (MANE Select); coding-DNA position 4102, C replaced by T.
Protein change: p.Pro1368Ser; replaces proline 1368 with serine.
Molecular consequence: missense variant.
Genome position (GRCh38, 1-based): chr1:237,590,934, C>T. VCF-style: chr1-237590934-C-T. GRCh37 (hg19) VCF-style: chr1-237754234-C-T.
Other names: short protein forms P1368S.
Identifiers: ClinVar variation 844063 (VCV000844063.11), dbSNP rs1675088114, ClinGen allele CA345397745.
Genomic context (GRCh38, chr1:237,590,934, plus strand): 5'-AAGACAGCTCATGGCCATCTAGTGCCCGATCGTGTTGACAAAGACAAAGAAGCTACTAAA[C>T]CAGAGTTTAACAACCACAAAGATTATGCCCAGGAAAAGCCCTCTCGTCTGAAACAAAGGT-3'
Protein context (NP_001026.2, residues 1358-1378): RVDKDKEATK[Pro1368Ser]EFNNHKDYAQ

ClinVar aggregate classification (germline): Uncertain significance (1 of 4 stars; one submission).

Conditions:
Catecholaminergic polymorphic ventricular tachycardia 1. Also called: VENTRICULAR TACHYCARDIA, CATECHOLAMINERGIC POLYMORPHIC, 1, WITH OR WITHOUT ATRIAL DYSFUNCTION AND/OR DILATED CARDIOMYOPATHY; VENTRICULAR TACHYCARDIA, STRESS-INDUCED POLYMORPHIC 1; RYR2-Related Catecholaminergic Polymorphic Ventricular Tachycardia. Identifiers: Orphanet 3286, MedGen C1631597, MONDO:0011484, OMIM 604772.

Submission:

Labcorp Genetics (formerly Invitae), Labcorp
Classification: Uncertain significance for Catecholaminergic polymorphic ventricular tachycardia 1. Last evaluated: 2019-01-06. Review status: criteria provided, single submitter. Criteria: Invitae Variant Classification Sherloc (09022015). Collection method: clinical testing. Allele origin: germline.
Comment: This sequence change replaces proline with serine at codon 1368 of the RYR2 protein (p.Pro1368Ser). The proline residue is highly conserved and there is a moderate physicochemical difference between proline and serine. This variant is not present in population databases (ExAC no frequency). This variant has not been reported in the literature in individuals with RYR2-related conditions. Algorithms developed to predict the effect of missense changes on protein structure and function output the following: SIFT: "Deleterious"; PolyPhen-2: "Benign"; Align-GVGD: "Class C65". The serine amino acid residue is found in multiple mammalian species, suggesting that this missense change does not adversely affect protein function. These predictions have not been confirmed by published functional studies and their clinical significance is uncertain. In summary, the available evidence is currently insufficient to determine the role of this variant in disease. Therefore, it has been classified as a Variant of Uncertain Significance.